The following is an entry in ClinVar:

NM_004415.4(DSP):c.5115G>A (p.Arg1705=)

Gene: DSP (desmoplakin; plus strand). Cytogenetic location: 6p24.3.
Variant type: single nucleotide variant.
Coding change: c.5115G>A on transcript NM_004415.4 (MANE Select); coding-DNA position 5115, G replaced by A.
Protein change: p.Arg1705=; no amino-acid change (arginine 1705 retained).
Molecular consequence: synonymous variant. On other transcripts: intron variant (2).
Genome position (GRCh38, 1-based): chr6:7,581,305, G>A. VCF-style: chr6-7581305-G-A. GRCh37 (hg19) VCF-style: chr6-7581538-G-A.
Other names: c.4050+1065G>A (NM_001319034.2); c.3583-1337G>A (NM_001008844.3).
Identifiers: ClinVar variation 4534113 (VCV004534113.6).

ClinVar aggregate classification (germline): Likely benign (1 of 4 stars; one submission).

Submission:

CeGaT Center for Human Genetics Tuebingen
Classification: Likely benign. Last evaluated: 2025-10-01. Review status: criteria provided, single submitter. Criteria: CeGaT Center For Human Genetics Tuebingen Variant Classification Criteria Version 2. Collection method: clinical testing. Allele origin: germline. Affected: yes. Observed: 1 variant allele.
Comment: DSP: PM2:Supporting, BP4, BP7